The following is an entry in ClinVar:

NM_014956.5(CEP164):c.2609A>C (p.Glu870Ala)

Gene: CEP164 (centrosomal protein 164; plus strand). Cytogenetic location: 11q23.3.
Variant type: single nucleotide variant.
Coding change: c.2609A>C on transcript NM_014956.5 (MANE Select); coding-DNA position 2609, A replaced by C.
Protein change: p.Glu870Ala; replaces glutamic acid 870 with alanine.
Molecular consequence: missense variant.
Genome position (GRCh38, 1-based): chr11:117,393,119, A>C. VCF-style: chr11-117393119-A-C. GRCh37 (hg19) VCF-style: chr11-117263835-A-C.
Other names: c.2618A>C, p.Glu873Ala (NM_001271933.2); short protein forms E873A, E870A.
Identifiers: ClinVar variation 1899851 (VCV001899851.5), dbSNP rs2541982220, ClinGen allele CA382726707.

ClinVar aggregate classification (germline): Uncertain significance (1 of 4 stars; one submission).

Conditions:
Nephronophthisis 15 (NPHP15). Identifiers: Orphanet 3156, MedGen C3541853, MONDO:0013917, OMIM 614845.

Submission:

Labcorp Genetics (formerly Invitae), Labcorp
Classification: Uncertain significance for Nephronophthisis 15. Last evaluated: 2022-07-17. Review status: criteria provided, single submitter. Criteria: Invitae Variant Classification Sherloc (09022015). Collection method: clinical testing. Allele origin: germline.
Comment: This sequence change replaces glutamic acid, which is acidic and polar, with alanine, which is neutral and non-polar, at codon 870 of the CEP164 protein (p.Glu870Ala). This variant is not present in population databases (gnomAD no frequency). This variant has not been reported in the literature in individuals affected with CEP164-related conditions. Algorithms developed to predict the effect of missense changes on protein structure and function (SIFT, PolyPhen-2, Align-GVGD) all suggest that this variant is likely to be disruptive. In summary, the available evidence is currently insufficient to determine the role of this variant in disease. Therefore, it has been classified as a Variant of Uncertain Significance.